The following is an entry in ClinVar:

NM_001112741.2(KCNC1):c.1731G>C (p.Met577Ile)

Gene: KCNC1 (potassium voltage-gated channel subfamily C member 1; plus strand). Cytogenetic location: 11p15.1.
Variant type: single nucleotide variant.
Coding change: c.1731G>C on transcript NM_001112741.2 (MANE Select); coding-DNA position 1731, G replaced by C.
Protein change: p.Met577Ile; replaces methionine 577 with isoleucine.
Molecular consequence: missense variant.
Genome position (GRCh38, 1-based): chr11:17,781,707, G>C. VCF-style: chr11-17781707-G-C. GRCh37 (hg19) VCF-style: chr11-17803254-G-C.
Other names: short protein forms M577I.
Identifiers: ClinVar variation 2752749 (VCV002752749.3), dbSNP rs2497823068, ClinGen allele CA379815802.

ClinVar aggregate classification (germline): Uncertain significance (1 of 4 stars; one submission).

Conditions:
Progressive myoclonic epilepsy type 7. Identifiers: Orphanet 435438, MedGen C4015420, MONDO:0014521, OMIM 616187.

Allele frequency attached by ClinVar (database versions not stated): gnomAD exomes below 0.00001.
gnomAD v4.1: 6 of 1,551,506 alleles (0.00039%); highest among the groups gnomAD compares: Non-Finnish European, 0.00052%; no homozygotes.

Submission:

Labcorp Genetics (formerly Invitae), Labcorp
Classification: Uncertain significance for Progressive myoclonic epilepsy type 7. Last evaluated: 2024-02-23. Review status: criteria provided, single submitter. Criteria: Invitae Variant Classification Sherloc (09022015). Collection method: clinical testing. Allele origin: germline.
Comment: This sequence change replaces methionine, which is neutral and non-polar, with isoleucine, which is neutral and non-polar, at codon 577 of the KCNC1 protein (p.Met577Ile). This variant is not present in population databases (gnomAD no frequency). This variant has not been reported in the literature in individuals affected with KCNC1-related conditions. Advanced modeling of protein sequence and biophysical properties (such as structural, functional, and spatial information, amino acid conservation, physicochemical variation, residue mobility, and thermodynamic stability) performed at Invitae indicates that this missense variant is not expected to disrupt KCNC1 protein function with a negative predictive value of 95%. In summary, the available evidence is currently insufficient to determine the role of this variant in disease. Therefore, it has been classified as a Variant of Uncertain Significance.